The following is an entry in ClinVar:

NM_001136273.2(ZFP92):c.1142C>T (p.Ala381Val)

Gene: ZFP92 (ZFP92 zinc finger protein; plus strand). Cytogenetic location: Xq28.
Variant type: single nucleotide variant.
Coding change: c.1142C>T on transcript NM_001136273.2 (MANE Select); coding-DNA position 1142, C replaced by T.
Protein change: p.Ala381Val; replaces alanine 381 with valine.
Molecular consequence: missense variant.
Genome position (GRCh38, 1-based): chrX:153,421,519, C>T. VCF-style: chrX-153421519-C-T. GRCh37 (hg19) VCF-style: chrX-152686977-C-T.
Other names: c.1016C>T, p.Ala339Val (NM_001386943.1); c.1142C>T, p.Ala381Val (NM_001386944.1, NM_001386945.1); short protein forms A339V, A381V.
Identifiers: ClinVar variation 2354909 (VCV002354909.5), dbSNP rs782495626, ClinGen allele CA10546454.

ClinVar aggregate classification (germline): Uncertain significance. Review status: criteria provided, single submitter (1 of 4 stars). 2 submissions from 2 submitters: Uncertain significance (1). 1 of the submissions does not count toward it. Last evaluated 2024-09-04.

Conditions:
ZFP92-related disorder. Also called: ZFP92-related condition.

Allele frequency attached by ClinVar (database versions not stated): 1000 Genomes Project 30x 0.00021; gnomAD exomes 0.00023; gnomAD 0.00031; TOPMed 0.00032; ExAC 0.00106.

Submissions (2):

Ambry Genetics
Classification: Uncertain significance. Last evaluated: 2024-09-04. Review status: criteria provided, single submitter. Criteria: Ambry Variant Classification Scheme 2023. Collection method: clinical testing. Allele origin: germline.

PreventionGenetics, part of Exact Sciences
Classification: Likely benign for ZFP92-related condition. Last evaluated: 2022-03-08. Review status: no assertion criteria provided. Collection method: clinical testing. Allele origin: germline. Not counted in ClinVar's aggregate classification.
Comment: This variant is classified as likely benign based on ACMG/AMP sequence variant interpretation guidelines (Richards et al. 2015 PMID: 25741868, with internal and published modifications).